The following is an entry in ClinVar:

NM_000238.4(KCNH2):c.1635C>T (p.Tyr545=)

Gene: KCNH2 (potassium voltage-gated channel subfamily H member 2; minus strand). Cytogenetic location: 7q36.1.
Variant type: single nucleotide variant.
Coding change: c.1635C>T on transcript NM_000238.4 (MANE Select); coding-DNA position 1635, C replaced by T.
Protein change: p.Tyr545=; no amino-acid change (tyrosine 545 retained).
Molecular consequence: synonymous variant. On other transcripts: non-coding transcript variant (2).
Genome position (GRCh38, 1-based): chr7:150,951,758, G>A on the plus strand (C>T on the coding strand, the complement: KCNH2 is on the minus strand). VCF-style: chr7-150951758-G-A. GRCh37 (hg19) VCF-style: chr7-150648846-G-A.
Other names: c.615C>T, p.Tyr205= (NM_001204798.2, NM_172057.3); c.1347C>T, p.Tyr449= (NM_001406753.1, NM_001406756.1); c.1458C>T, p.Tyr486= (NM_001406755.1); c.1335C>T, p.Tyr445= (NM_001406757.1); c.1635C>T, p.Tyr545= (NM_172056.3).
Identifiers: ClinVar variation 383378 (VCV000383378.34), dbSNP rs200692436, ClinGen allele CA029021.

ClinVar aggregate classification (germline): Conflicting classifications of pathogenicity. Review status: criteria provided, conflicting classifications (1 of 4 stars). 9 submissions from 9 submitters: Uncertain significance (1); Benign (2); Likely benign (6). Last evaluated 2026-09-01.

Conditions:
Cardiovascular phenotype. Identifiers: MedGen CN230736.
Cardiac arrhythmia. Also called: Cardiac rhythm disease; Arrhythmia. Identifiers: MedGen C0003811, MONDO:0007263, HP:0011675.
Long QT syndrome (LQTS). Identifiers: MedGen C0023976, MeSH D008133, MONDO:0002442. Disease mechanism: loss of function. Inheritance: Various modes of inheritance.
Long QT syndrome 2 (LQT2). Identifiers: Orphanet 101016, Orphanet 768, MedGen C3150943, MONDO:0013367, OMIM 613688.

Allele frequency attached by ClinVar (database versions not stated): gnomAD exomes 0.00004 and 0.00018; gnomAD 0.00009; ExAC 0.00014; TOPMed 0.00018; 1000 Genomes Project 0.00020; 1000 Genomes Project 30x 0.00031.
gnomAD v4.1: 83 of 1,606,816 alleles (0.0052%); highest among the groups gnomAD compares: East Asian, 0.058%; no homozygotes.

Submissions (9):

CeGaT Center for Human Genetics Tuebingen
Classification: Likely benign. Last evaluated: 2026-09-01. Review status: criteria provided, single submitter. Criteria: CeGaT Center For Human Genetics Tuebingen Variant Classification Criteria Version 2. Collection method: clinical testing. Allele origin: germline. Affected: yes. Observed: 1 variant allele.
Comment: KCNH2: BP4, BP7

Labcorp Genetics (formerly Invitae), Labcorp
Classification: Benign for Long QT syndrome. Last evaluated: 2026-01-12. Review status: criteria provided, single submitter. Criteria: Invitae Variant Classification Sherloc (09022015). Collection method: clinical testing. Allele origin: germline.

All of Us Research Program, National Institutes of Health
Classification: Likely benign for Long QT syndrome. Last evaluated: 2024-01-11. Review status: criteria provided, single submitter. Criteria: ACMG Guidelines, 2015. Collection method: clinical testing. Allele origin: germline. Inheritance: Autosomal dominant inheritance. Observed: 20 variant alleles, 20 heterozygotes.
Comment: This study involves interpretation of variants in research participants for the purpose of population health screening. Participant phenotype was not available at the time of variant classification. Additional details can be found in publication PMID: 35346344, PMCID: PMC8962531

Blueprint Genetics
Classification: Likely benign. Last evaluated: 2024-01-04. Review status: criteria provided, single submitter. Criteria: ACMG Guidelines, 2015. Collection method: clinical testing. Allele origin: germline.

Ambry Genetics
Classification: Likely benign for Cardiovascular phenotype. Last evaluated: 2020-03-04. Review status: criteria provided, single submitter. Criteria: Ambry Variant Classification Scheme 2023. Collection method: clinical testing. Allele origin: germline.

Color Diagnostics, LLC DBA Color Health
Classification: Likely benign for Arrhythmia. Last evaluated: 2019-09-09. Review status: criteria provided, single submitter. Criteria: ACMG Guidelines, 2015. Collection method: clinical testing. Allele origin: germline.

Illumina Laboratory Services, Illumina
Classification: Uncertain significance for Long QT syndrome 2. Last evaluated: 2018-08-16. Review status: criteria provided, single submitter. Criteria: ICSL Variant Classification Criteria 13 December 2019. Collection method: clinical testing. Allele origin: germline.
Comment: This variant was observed as part of a predisposition screen in an ostensibly healthy population. A literature search was performed for the gene, cDNA change, and amino acid change (where applicable). Publications were found based on this search. However, the evidence from the literature, in combination with allele frequency data from public databases where available, was not sufficient to rule this variant in or out of causing disease. Therefore, this variant is classified as a variant of unknown significance.

GeneDx
Classification: Likely benign. Last evaluated: 2018-04-11. Review status: criteria provided, single submitter. Criteria: GeneDx Variant Classification Process June 2021. Collection method: clinical testing. Allele origin: germline. Affected: yes.

Women's Health and Genetics/Laboratory Corporation of America, LabCorp
Classification: Benign. Last evaluated: 2016-10-31. Review status: criteria provided, single submitter. Criteria: LabCorp Variant Classification Summary - May 2015. Collection method: clinical testing. Allele origin: germline.
Comment: Variant summary: The c.1224T>C (p.Tyr545=) in KCNH2 gene is a synonymous change that involves a non-conserved nucleotide. 4/5 programs in Alamut predict that this variant does not affect a normal splicing, however no functional studies supporting this notion were published at the time of evaluation. The variant is present in control population dataset of ExAC at a frequency of 0.00014 (16/118420 chrs tested), predominantly in individuals of East Asian descent (0.0013; 11/8596 chrs tested). These frequencies exceed the estimated maximal expected allele frequency of a pathogenic variant in KCNH2 gene (0.0001). The variant has not, to our knowledge, been reported in affected individuals or cited by a reputable database/clinical laboratory, but was reported as a polymorphism in healthy Chinese controls (Koo, 2006). Taking together, the variant was classified as Benign.

Literature cited by the submitters: PubMed 16487223 (cited by Ambry Genetics and Women's Health and Genetics/Laboratory Corporation of America, LabCorp); PubMed 26937405 (cited by Illumina Laboratory Services, Illumina); PubMed 28302345 (cited by Illumina Laboratory Services, Illumina); PubMed 12175777 (cited by Illumina Laboratory Services, Illumina); PubMed 11668641 (cited by Illumina Laboratory Services, Illumina); PubMed 28360401 (cited by Illumina Laboratory Services, Illumina); PubMed 23935525 (cited by Illumina Laboratory Services, Illumina).